The following is an entry in ClinVar:

NM_001286577.2(C2CD3):c.1048C>G (p.His350Asp)

Gene: C2CD3 (C2 domain containing 3 centriole elongation regulator; minus strand). Cytogenetic location: 11q13.4.
Variant type: single nucleotide variant.
Coding change: c.1048C>G on transcript NM_001286577.2 (MANE Select); coding-DNA position 1048, C replaced by G.
Protein change: p.His350Asp; replaces histidine 350 with aspartic acid.
Molecular consequence: missense variant.
Genome position (GRCh38, 1-based): chr11:74,133,465, G>C on the plus strand (C>G on the coding strand, the complement: C2CD3 is on the minus strand). VCF-style: chr11-74133465-G-C. GRCh37 (hg19) VCF-style: chr11-73844510-G-C.
Other names: c.1048C>G, p.His350Asp (NM_015531.6); short protein forms H350D.
Identifiers: ClinVar variation 2584953 (VCV002584953.1), dbSNP rs756947535, ClinGen allele CA6183071.

ClinVar aggregate classification (germline): Uncertain significance (1 of 4 stars; one submission).

Conditions:
Orofaciodigital syndrome type 14. Also called: Orofaciodigital syndrome xiv. Identifiers: Orphanet 434179, MedGen C4706604, MONDO:0014413, OMIM 615948.

Allele frequency attached by ClinVar (database versions not stated): gnomAD exomes below 0.00001; ExAC 0.00002.
gnomAD v4.1: 7 of 1,613,626 alleles (0.00043%); highest among the groups gnomAD compares: South Asian, 0.0066%; no homozygotes.

Submission:

Neuberg Centre For Genomic Medicine, NCGM
Classification: Uncertain significance for Orofaciodigital syndrome type 14. Review status: criteria provided, single submitter. Criteria: ACMG Guidelines, 2015. Collection method: clinical testing. Allele origin: germline. Inheritance: Autosomal recessive inheritance. Affected: yes.
Comment: The c.1153C>T (p.Arg385Cys) missense variant in RAB3GAP2 gene has been submitted to ClinVar as a Variant of Uncertain Significance, but no details are available for independent assessment. It has not been reported in affected individuals. This variant is reported with the allele frequency (0.0007%) in the gnomAD and novel in 1000 genome database. The amino acid Arg at position 385 is changed to a Cys changing protein sequence and it might alter its composition and physico-chemical properties. The amino acid change p.Arg385Cys in RAB3GAP2 is predicted as conserved by GERP++ and PhyloP across 100 vertebrates. For these reasons, this variant has been classified as Variant of Uncertain Significance (VUS).